The following is an entry in ClinVar:

NM_001164508.2(NEB):c.21198_21199del (p.Tyr7067fs)

Gene: NEB (nebulin; minus strand). Cytogenetic location: 2q23.3.
Variant type: Microsatellite.
Coding change: c.21198_21199del on transcript NM_001164508.2 (MANE Select); coding-DNA positions 21198 to 21199, 2 bases deleted (CT; older notation c.21198_21199delCT).
Protein change: p.Tyr7067fs; shifts the reading frame from tyrosine 7067.
Molecular consequence: frameshift variant.
Genome position (GRCh38, 1-based): chr2:151,537,140-151,537,141, AG deleted on the plus strand (CT on the coding strand, the reverse complement: NEB is on the minus strand); deleting any 2 consecutive bases within chr2:151,537,140-151,537,145 gives the same sequence; the c. name uses the placement nearest the transcript's 3' end. VCF-style (leftmost placement, unchanged base first): chr2-151537139-TAG-T. GRCh37 (hg19) VCF-style: chr2-152393653-TAG-T.
Other names: c.21198_21199del, p.Tyr7067fs (NM_001164507.2, NM_001271208.2); c.16095_16096del, p.Tyr5366fs (NM_004543.5); short protein forms Y5366fs, Y7067fs.
Identifiers: ClinVar variation 860448 (VCV000860448.9), dbSNP rs2093334853, ClinGen allele CA916080269.
Genomic context (GRCh38, chr2:151,537,139, plus strand): 5'-GGGTACAGGTATATGTCGAATGGATGAGGCCAATTCTCCTTGAGTATATATACCTTGCTG[TAG>T]AGAGTCTTGTTCTTTTCAGCCAGAGTGAAATCAGGGGTATCATAGGCATAGCAACCAATG-3'

ClinVar aggregate classification (germline): Pathogenic. Review status: criteria provided, multiple submitters, no conflicts (2 of 4 stars). 2 submissions from 2 submitters: Pathogenic (2). Last evaluated 2025-06-04.

Conditions:
Nemaline myopathy 2 (NEM2). Also called: Nemaline myopathy 2, autosomal recessive. Identifiers: MedGen C1850569, MONDO:0009725, OMIM 256030.
Arthrogryposis multiplex congenita 6. Identifiers: MedGen C5543431, MONDO:0030281, OMIM 619334.

Submissions (2):

Labcorp Genetics (formerly Invitae), Labcorp
Classification: Pathogenic for Nemaline myopathy 2. Last evaluated: 2025-06-04. Review status: criteria provided, single submitter. Criteria: Invitae Variant Classification Sherloc (09022015). Collection method: clinical testing. Allele origin: germline.
Comment: This sequence change creates a premature translational stop signal (p.Tyr7067Glnfs*4) in the NEB gene. It is expected to result in an absent or disrupted protein product. Loss-of-function variants in NEB are known to be pathogenic (PMID: 25205138). This variant is not present in population databases (gnomAD no frequency). This variant has not been reported in the literature in individuals affected with NEB-related conditions. ClinVar contains an entry for this variant (Variation ID: 860448). For these reasons, this variant has been classified as Pathogenic.

Juno Genomics, Hangzhou Juno Genomics, Inc
Classification: Pathogenic for Arthrogryposis multiplex congenita 6; Nemaline myopathy 2. Review status: criteria provided, single submitter. Criteria: ACMG Guidelines, 2015. Collection method: clinical testing. Allele origin: germline.
Comment: Absent from controls (or at extremely low frequency if recessive) in Genome Aggregation Database.;Null variant in a gene where loss of function (LOF) is a known mechanism of disease.;For recessive disorders, detected in trans with a pathogenic variant.

Literature cited by the submitters: PubMed 25205138 (cited by Labcorp Genetics (formerly Invitae), Labcorp).